The following is an entry in ClinVar:

NM_001903.5(CTNNA1):c.1053C>T (p.Tyr351=)

Gene: CTNNA1 (catenin alpha 1; plus strand). Cytogenetic location: 5q31.2.
Variant type: single nucleotide variant.
Coding change: c.1053C>T on transcript NM_001903.5 (MANE Select); coding-DNA position 1053, C replaced by T.
Protein change: p.Tyr351=; no amino-acid change (tyrosine 351 retained).
Molecular consequence: synonymous variant.
Genome position (GRCh38, 1-based): chr5:138,827,709, C>T. VCF-style: chr5-138827709-C-T. GRCh37 (hg19) VCF-style: chr5-138163398-C-T.
Other names: c.1053C>T, p.Tyr351= (NM_001290307.3, NM_001323982.2, NM_001323983.1 and 3 more transcripts); c.744C>T, p.Tyr248= (NM_001290309.3); c.684C>T, p.Tyr228= (NM_001290310.3); c.1053C>T (NM_001903.2).
Identifiers: ClinVar variation 759438 (VCV000759438.12), dbSNP rs1304131217, ClinGen allele CA446595565.

ClinVar aggregate classification (germline): Benign/Likely benign. Review status: criteria provided, multiple submitters, no conflicts (2 of 4 stars). 3 submissions from 3 submitters: Benign (1); Likely benign (2). Last evaluated 2025-08-18.

Conditions:
Hereditary diffuse gastric adenocarcinoma (HDGC). Also called: DIFFUSE GASTRIC AND LOBULAR BREAST CANCER SYNDROME. Identifiers: Orphanet 26106, MedGen C1708349, MONDO:0007648, OMIM 137215.
Hereditary cancer-predisposing syndrome. Also called: Tumor predisposition; Hereditary Cancer Syndrome; Neoplastic Syndromes, Hereditary; Hereditary neoplastic syndrome. Identifiers: Orphanet 140162, MedGen C0027672, MeSH D009386, MONDO:0015356.

Allele frequency attached by ClinVar (database versions not stated): gnomAD exomes below 0.00001; TOPMed below 0.00001; gnomAD 0.00002.
gnomAD v4.1: 4 of 1,614,034 alleles (0.00025%); highest among the groups gnomAD compares: African/African-American, 0.0053%; no homozygotes.

Submissions (3):

Labcorp Genetics (formerly Invitae), Labcorp
Classification: Likely benign. Last evaluated: 2025-08-18. Review status: criteria provided, single submitter. Criteria: Invitae Variant Classification Sherloc (09022015). Collection method: clinical testing. Allele origin: germline.

Ambry Genetics
Classification: Likely benign for Hereditary cancer-predisposing syndrome. Last evaluated: 2025-05-27. Review status: criteria provided, single submitter. Criteria: Ambry Variant Classification Scheme 2023. Collection method: clinical testing. Allele origin: germline.

Myriad Genetics, Inc.
Classification: Benign for Hereditary diffuse gastric adenocarcinoma. Last evaluated: 2024-10-10. Review status: criteria provided, single submitter. Criteria: Myriad Autosomal Dominant, Autosomal Recessive and X-Linked Classification Criteria (2023). Collection method: clinical testing. Allele origin: unknown.
Comment: This variant is considered benign. This variant is a silent/synonymous amino acid change and it is not expected to impact splicing.